The following is an entry in ClinVar:

ClinVar aggregate classification (germline): Uncertain significance (1 of 4 stars; one submission).

Allele frequency attached by ClinVar (database versions not stated): gnomAD exomes 0.00002; TOPMed below 0.00001; ExAC 0.00003.
gnomAD v4.1: 12 of 1,611,274 alleles (0.00074%); highest among the groups gnomAD compares: Non-Finnish European, 0.001%; no homozygotes.

Submission:

Labcorp Genetics (formerly Invitae), Labcorp
Classification: Uncertain significance. Last evaluated: 2025-02-10. Review status: criteria provided, single submitter. Criteria: Invitae Variant Classification Sherloc (09022015). Collection method: clinical testing. Allele origin: germline.
Comment: This sequence change replaces proline, which is neutral and non-polar, with threonine, which is neutral and polar, at codon 231 of the RELA protein (p.Pro231Thr). This variant is present in population databases (rs751077868, gnomAD 0.005%). This variant has not been reported in the literature in individuals affected with RELA-related conditions. ClinVar contains an entry for this variant (Variation ID: 2980410). An algorithm developed to predict the effect of missense changes on protein structure and function (PolyPhen-2) suggests that this variant is likely to be tolerated. In summary, the available evidence is currently insufficient to determine the role of this variant in disease. Therefore, it has been classified as a Variant of Uncertain Significance.

NM_021975.4(RELA):c.691C>A (p.Pro231Thr)

Gene: RELA (RELA proto-oncogene, NF-kB subunit; minus strand). Cytogenetic location: 11q13.1.
Variant type: single nucleotide variant.
Coding change: c.691C>A on transcript NM_021975.4 (MANE Select); coding-DNA position 691, C replaced by A.
Protein change: p.Pro231Thr; replaces proline 231 with threonine.
Molecular consequence: missense variant. On other transcripts: intron variant (2).
Genome position (GRCh38, 1-based): chr11:65,658,473, G>T on the plus strand (C>A on the coding strand, the complement: RELA is on the minus strand). VCF-style: chr11-65658473-G-T. GRCh37 (hg19) VCF-style: chr11-65425944-G-T.
Other names: c.664+245C>A (NM_001404659.1); c.682C>A, p.Pro228Thr (NM_001145138.2); c.691C>A, p.Pro231Thr (NM_001243984.2, NM_001243985.2); c.724C>A, p.Pro242Thr (NM_001404657.1); c.664C>A, p.Pro222Thr (NM_001404658.1); c.310C>A, p.Pro104Thr (NM_001404661.1); c.598C>A, p.Pro200Thr (NM_001404662.1, NM_001404663.1); c.559+1193C>A (NM_001404660.1); short protein forms P200T, P228T, P104T, P222T, P231T, P242T.
Identifiers: ClinVar variation 2980410 (VCV002980410.3), dbSNP rs751077868, ClinGen allele CA6106815.